The following is an entry in ClinVar:

NM_139057.4(ADAMTS17):c.1002C>T (p.Pro334=)

Gene: ADAMTS17 (ADAM metallopeptidase with thrombospondin type 1 motif 17; minus strand). Cytogenetic location: 15q26.3.
Variant type: single nucleotide variant.
Coding change: c.1002C>T on transcript NM_139057.4 (MANE Select); coding-DNA position 1002, C replaced by T.
Protein change: p.Pro334=; no amino-acid change (proline 334 retained).
Molecular consequence: synonymous variant.
Genome position (GRCh38, 1-based): chr15:100,261,508, G>A on the plus strand (C>T on the coding strand, the complement: ADAMTS17 is on the minus strand). VCF-style: chr15-100261508-G-A. GRCh37 (hg19) VCF-style: chr15-100801713-G-A.
Identifiers: ClinVar variation 1349564 (VCV001349564.18), dbSNP rs138012161, ClinGen allele CA7758450.

ClinVar aggregate classification (germline): Likely benign. Review status: criteria provided, multiple submitters, no conflicts (2 of 4 stars). 4 submissions from 4 submitters: Likely benign (4). Last evaluated 2026-01-13.

Allele frequency attached by ClinVar (database versions not stated): ESP Exome Variant Server 0.00008; 1000 Genomes Project 0.00040; 1000 Genomes Project 30x 0.00047.
gnomAD v4.1: 457 of 1,614,160 alleles (0.028%); highest among the groups gnomAD compares: Middle Eastern, 0.17%; 1 homozygote.

Submissions (4):

Labcorp Genetics (formerly Invitae), Labcorp
Classification: Likely benign. Last evaluated: 2026-01-13. Review status: criteria provided, single submitter. Criteria: Invitae Variant Classification Sherloc (09022015). Collection method: clinical testing. Allele origin: germline.

CeGaT Center for Human Genetics Tuebingen
Classification: Likely benign. Last evaluated: 2025-07-01. Review status: criteria provided, single submitter. Criteria: CeGaT Center For Human Genetics Tuebingen Variant Classification Criteria Version 2. Collection method: clinical testing. Allele origin: germline. Affected: yes. Observed: 1 variant allele.
Comment: ADAMTS17: BP4, BP7

Blueprint Genetics
Classification: Likely benign. Last evaluated: 2024-10-08. Review status: criteria provided, single submitter. Criteria: ACMG Guidelines, 2015. Collection method: clinical testing. Allele origin: germline.

Breakthrough Genomics
Classification: Likely benign. Review status: criteria provided, single submitter. Criteria: ACMG Guidelines, 2015. Collection method: not provided. Allele origin: germline. Inheritance: Autosomal recessive inheritance. Affected: yes.